The following is an entry in ClinVar:

ClinVar aggregate classification (germline): Conflicting classifications of pathogenicity. Review status: criteria provided, conflicting classifications (1 of 4 stars). 2 submissions from 2 submitters: Likely pathogenic (1); Uncertain significance (1). Last evaluated 2022-08-23.

Conditions:
TP63-Related Spectrum Disorders.

Allele frequency attached by ClinVar (database versions not stated): gnomAD exomes below 0.00001.
gnomAD v4.1: 1 of 1,614,064 alleles (0.000062%); highest among the groups gnomAD compares: Non-Finnish European, 0.000085%; no homozygotes.

Submissions (2):

Labcorp Genetics (formerly Invitae), Labcorp
Classification: Uncertain significance. Last evaluated: 2022-08-23. Review status: criteria provided, single submitter. Criteria: Invitae Variant Classification Sherloc (09022015). Collection method: clinical testing. Allele origin: germline.
Comment: In summary, the available evidence is currently insufficient to determine the role of this variant in disease. Therefore, it has been classified as a Variant of Uncertain Significance. Algorithms developed to predict the effect of missense changes on protein structure and function are either unavailable or do not agree on the potential impact of this missense change (SIFT: "Deleterious"; PolyPhen-2: "Probably Damaging"; Align-GVGD: "Class C0"). ClinVar contains an entry for this variant (Variation ID: 1190738). This variant has not been reported in the literature in individuals affected with TP63-related conditions. This variant is not present in population databases (gnomAD no frequency). This sequence change replaces serine, which is neutral and polar, with leucine, which is neutral and non-polar, at codon 189 of the TP63 protein (p.Ser189Leu).

GeneDx
Classification: Likely pathogenic. Last evaluated: 2021-01-05. Review status: criteria provided, single submitter. Criteria: GeneDx Variant Classification Process June 2021. Collection method: clinical testing. Allele origin: germline. Affected: yes.
Comment: Not observed in large population cohorts (Lek et al., 2016); In silico analysis, which includes protein predictors and evolutionary conservation, supports a deleterious effect; Has not been previously published as pathogenic or benign to our knowledge

NM_003722.5(TP63):c.566C>T (p.Ser189Leu)

Gene: TP63 (tumor protein p63; plus strand). Cytogenetic location: 3q28.
Variant type: single nucleotide variant.
Coding change: c.566C>T on transcript NM_003722.5 (MANE Select); coding-DNA position 566, C replaced by T.
Protein change: p.Ser189Leu; replaces serine 189 with leucine.
Molecular consequence: missense variant. On other transcripts: intron variant (2).
Genome position (GRCh38, 1-based): chr3:189,808,513, C>T. VCF-style: chr3-189808513-C-T. GRCh37 (hg19) VCF-style: chr3-189526302-C-T.
Other names: c.566C>T, p.Ser189Leu (NM_001114978.2, NM_001114979.2, NM_001329144.2 and 1 more transcripts); c.284C>T, p.Ser95Leu (NM_001114980.2, NM_001114981.2, NM_001114982.2 and 2 more transcripts); c.560C>T, p.Ser187Leu (NM_001329964.2); c.42+18671C>T (NM_001329146.2, NM_001329150.2); short protein forms S187L, S189L, S95L.
Identifiers: ClinVar variation 1190738 (VCV001190738.7), dbSNP rs866938979, ClinGen allele CA89711711.
Genomic context (GRCh38, chr3:189,808,513, plus strand): 5'-CCGACTACCCAGGCCCGCACAGTTTCGACGTGTCCTTCCAGCAGTCGAGCACCGCCAAGT[C>T]GGCCACCTGGACGGTAAGAGCAGCGGGCACGCACATACCTGACCCCCCAAGTCCAAGGAT-3'
Protein context (NP_003713.3, residues 179-199): VSFQQSSTAK[Ser189Leu]ATWTYSTELK